The following is an entry in ClinVar:

NM_031471.6(FERMT3):c.1237G>A (p.Gly413Ser)

Gene: FERMT3 (FERM domain containing kindlin 3; plus strand). Cytogenetic location: 11q13.1.
Variant type: single nucleotide variant.
Coding change: c.1237G>A on transcript NM_031471.6 (MANE Select); coding-DNA position 1237, G replaced by A.
Protein change: p.Gly413Ser; replaces glycine 413 with serine.
Molecular consequence: missense variant.
Genome position (GRCh38, 1-based): chr11:64,220,252, G>A. VCF-style: chr11-64220252-G-A. GRCh37 (hg19) VCF-style: chr11-63987724-G-A.
Other names: c.1237G>A, p.Gly413Ser (NM_001382361.1, NM_001382448.1); c.1249G>A, p.Gly417Ser (NM_001382362.1, NM_178443.3); c.697G>A, p.Gly233Ser (NM_001382363.1); c.709G>A, p.Gly237Ser (NM_001382364.1); short protein forms G417S, G413S, G233S, G237S.
Identifiers: ClinVar variation 646601 (VCV000646601.8), dbSNP rs150164798, ClinGen allele CA6069094.
Genomic context (GRCh38, chr11:64,220,252, plus strand): 5'-TCCTAGACCACCCCTTCTCTCCCTCCAGGCTGTGAGGTGGTTCCCGATGTTAACGTCTCC[G>A]GCCAGAAGTTCTGCATTAAACTCCTAGTGCCCTCCCCTGAGGGCATGAGTGAGATCTACC-3'
Protein context (NP_113659.3, residues 403-423): CEVVPDVNVS[Gly413Ser]QKFCIKLLVP

ClinVar aggregate classification (germline): Uncertain significance. Review status: criteria provided, multiple submitters, no conflicts (2 of 4 stars). 2 submissions from 2 submitters: Uncertain significance (2). Last evaluated 2023-12-01.

Conditions:
Inborn genetic diseases. Identifiers: MedGen C0950123, MeSH D030342.
Leukocyte adhesion deficiency 3. Also called: INTEGRIN ACTIVATION DEFICIENCY DISEASE; LEUKOCYTE ADHESION DEFICIENCY 1 VARIANT; Leukocyte adhesion deficiency, type III. Identifiers: Orphanet 2968, Orphanet 99844, MedGen C2748536, MONDO:0013016, OMIM 612840.

Allele frequency attached by ClinVar (database versions not stated): gnomAD exomes 0.00002 and 0.00008; ExAC 0.00010; gnomAD 0.00013 and 0.00014; 1000 Genomes Project 30x 0.00016; TOPMed 0.00019; 1000 Genomes Project 0.00020; ESP Exome Variant Server 0.00023.
gnomAD v4.1: 51 of 1,613,928 alleles (0.0032%); highest among the groups gnomAD compares: African/African-American, 0.057%; no homozygotes.

Submissions (2):

Labcorp Genetics (formerly Invitae), Labcorp
Classification: Uncertain significance for Leukocyte adhesion deficiency 3. Last evaluated: 2023-12-01. Review status: criteria provided, single submitter. Criteria: Invitae Variant Classification Sherloc (09022015). Collection method: clinical testing. Allele origin: germline.
Comment: This sequence change replaces glycine, which is neutral and non-polar, with serine, which is neutral and polar, at codon 413 of the FERMT3 protein (p.Gly413Ser). This variant is present in population databases (rs150164798, gnomAD 0.07%). This variant has not been reported in the literature in individuals affected with FERMT3-related conditions. ClinVar contains an entry for this variant (Variation ID: 646601). Advanced modeling of protein sequence and biophysical properties (such as structural, functional, and spatial information, amino acid conservation, physicochemical variation, residue mobility, and thermodynamic stability) performed at Invitae indicates that this missense variant is not expected to disrupt FERMT3 protein function with a negative predictive value of 80%. In summary, the available evidence is currently insufficient to determine the role of this variant in disease. Therefore, it has been classified as a Variant of Uncertain Significance.

Ambry Genetics
Classification: Uncertain significance for Inborn genetic diseases. Last evaluated: 2021-10-12. Review status: criteria provided, single submitter. Criteria: Ambry Variant Classification Scheme 2023. Collection method: clinical testing. Allele origin: germline.